The following is an entry in ClinVar:

ClinVar aggregate classification (germline): Likely benign (1 of 4 stars; one submission).

Conditions:
Knobloch syndrome (KNO). Also called: RETINAL DETACHMENT AND OCCIPITAL ENCEPHALOCELE; Myopia retinal detachment encephalocele. Identifiers: Orphanet 1571, MedGen C1849409, MONDO:0800166.

Allele frequency attached by ClinVar (database versions not stated): gnomAD exomes 0.00008; 1000 Genomes Project 30x 0.00062; 1000 Genomes Project 0.00080; gnomAD 0.00143 and 0.00163; TOPMed 0.00157.
gnomAD v4.1: 219 of 191,600 alleles (0.11%); highest among the groups gnomAD compares: African/African-American, 0.5%; no homozygotes.

Submission:

Illumina Laboratory Services, Illumina
Classification: Likely benign for Knobloch syndrome 1. Last evaluated: 2018-01-12. Review status: criteria provided, single submitter. Criteria: ICSL Variant Classification Criteria 13 December 2019. Collection method: clinical testing. Allele origin: germline.
Comment: This variant was observed in the ICSL laboratory as part of a predisposition screen in an ostensibly healthy population. It had not been previously curated by ICSL or reported in the Human Gene Mutation Database (HGMD: prior to June 1st, 2018), and was therefore a candidate for classification through an automated scoring system. Utilizing variant allele frequency, disease prevalence and penetrance estimates, and inheritance mode, an automated score was calculated to assess if this variant is too frequent to cause the disease. Based on the score and internal cut-off values, a variant classified as likely benign is not then subjected to further curation. The score for this variant resulted in a classification of likely benign for this disease.

NM_001379500.1(COL18A1):c.*532T>C

Genes: COL18A1 (collagen type XVIII alpha 1 chain; plus strand), SLC19A1 (solute carrier family 19 member 1; minus strand). Cytogenetic location: 21q22.3.
Variant type: single nucleotide variant.
Coding change: c.*532T>C on transcript NM_001379500.1 (MANE Select); 532 bases downstream of the stop codon, T replaced by C.
Molecular consequence: 3 prime UTR variant.
Genome position (GRCh38, 1-based): chr21:45,512,930, T>C. VCF-style: chr21-45512930-T-C. GRCh37 (hg19) VCF-style: chr21-46932844-T-C.
Other names: NM_130445.2:c.*532T>C; c.*2046A>G (NM_001205206.4, NM_001352511.3); c.*2728A>G (NM_001205207.3, NM_001352510.2, NM_001352512.2 and 1 more transcripts); c.*532T>C (NM_030582.4, NM_130444.3).
Identifiers: ClinVar variation 340290 (VCV000340290.5), dbSNP rs560265269, ClinGen allele CA10653687.